The following is an entry in ClinVar:

NM_003403.5(YY1):c.31A>T (p.Thr11Ser)

Gene: YY1 (YY1 transcription factor; plus strand). Cytogenetic location: 14q32.2.
Variant type: single nucleotide variant.
Coding change: c.31A>T on transcript NM_003403.5 (MANE Select); coding-DNA position 31, A replaced by T.
Protein change: p.Thr11Ser; replaces threonine 11 with serine.
Molecular consequence: missense variant.
Genome position (GRCh38, 1-based): chr14:100,239,275, A>T. VCF-style: chr14-100239275-A-T. GRCh37 (hg19) VCF-style: chr14-100705612-A-T.
Other names: short protein forms T11S.
Identifiers: ClinVar variation 2579817 (VCV002579817.2), dbSNP rs1271244582, ClinGen allele CA390970782.

ClinVar aggregate classification (germline): Uncertain significance (1 of 4 stars; one submission).

Allele frequency attached by ClinVar (database versions not stated): TOPMed 0.00001.

Submission:

GeneDx
Classification: Uncertain significance. Last evaluated: 2024-04-25. Review status: criteria provided, single submitter. Criteria: GeneDx Variant Classification Process June 2021. Collection method: clinical testing. Allele origin: germline.
Comment: Not observed at significant frequency in large population cohorts (gnomAD); In silico analysis supports that this missense variant does not alter protein structure/function; Has not been previously published as pathogenic or benign to our knowledge